The following is an entry in ClinVar:

ClinVar aggregate classification (germline): Uncertain significance (1 of 4 stars; one submission).

gnomAD v4.1: 5 of 1,614,154 alleles (0.00031%); highest among the groups gnomAD compares: Non-Finnish European, 0.00042%; no homozygotes.

Submission:

Labcorp Genetics (formerly Invitae), Labcorp
Classification: Uncertain significance. Last evaluated: 2025-07-21. Review status: criteria provided, single submitter. Criteria: Invitae Variant Classification Sherloc (09022015). Collection method: clinical testing. Allele origin: germline.
Comment: This sequence change replaces histidine, which is basic and polar, with arginine, which is basic and polar, at codon 915 of the LRRC7 protein (p.His915Arg). This variant is present in population databases (no rsID available, gnomAD 0.0009%). This variant has not been reported in the literature in individuals affected with LRRC7-related conditions. Experimental studies and prediction algorithms are not available or were not evaluated, and the functional significance of this variant is currently unknown. In summary, the available evidence is currently insufficient to determine the role of this variant in disease. Therefore, it has been classified as a Variant of Uncertain Significance.

NM_001370785.2(LRRC7):c.2744A>G (p.His915Arg)

Genes: LRRC7 (leucine rich repeat containing 7; plus strand), LRRC7-AS1 (LRRC7 antisense RNA 1; minus strand). Cytogenetic location: 1p31.1.
Variant type: single nucleotide variant.
Coding change: c.2744A>G on transcript NM_001370785.2 (MANE Select); coding-DNA position 2744, A replaced by G.
Protein change: p.His915Arg; replaces histidine 915 with arginine.
Molecular consequence: missense variant. On other transcripts: non-coding transcript variant (1).
Genome position (GRCh38, 1-based): chr1:70,038,568, A>G. VCF-style: chr1-70038568-A-G. GRCh37 (hg19) VCF-style: chr1-70504251-A-G.
Other names: c.2645A>G, p.His882Arg (NM_001330635.3, NM_001366841.1); c.2747A>G, p.His916Arg (NM_001350216.3); c.2744A>G, p.His915Arg (NM_001366838.3); c.2585A>G, p.His862Arg (NM_001366839.3); short protein forms H862R, H882R, H916R, H915R.
Identifiers: ClinVar variation 4723615 (VCV004723615.1).